The following is an entry in ClinVar:

NM_020982.4(CLDN9):c.455del (p.Val152fs)

Gene: CLDN9 (claudin 9; plus strand). Cytogenetic location: 16p13.3.
Variant type: Deletion.
Coding change: c.455del on transcript NM_020982.4 (MANE Select); coding-DNA position 455, one base deleted (T; older notation c.455delT).
Protein change: p.Val152fs; shifts the reading frame from valine 152.
Molecular consequence: frameshift variant.
Genome position (GRCh38, 1-based): chr16:3,013,817, T deleted. VCF-style (leftmost placement, unchanged base first): chr16-3013816-GT-G. GRCh37 (hg19) VCF-style: chr16-3063817-GT-G.
Other names: short protein forms V152fs.
Identifiers: ClinVar variation 4883923 (VCV004883923.2).

ClinVar aggregate classification (germline): Uncertain significance (1 of 4 stars; one submission).

Conditions:
Hearing loss, autosomal recessive 116. Also called: DEAFNESS, AUTOSOMAL RECESSIVE 116. Identifiers: MedGen C5436789, MONDO:0033670, OMIM 619093.

Submission:

Dasa
Classification: Uncertain significance for Hearing loss, autosomal recessive 116. Last evaluated: 2026-02-18. Review status: criteria provided, single submitter. Criteria: DASA Assertion Criteria. Collection method: clinical testing. Allele origin: germline.
Comment: NM_020982.4(CLDN9):c.455del (p.Val152Glyfs*224) is a frameshift variant in CLDN9 predicted to alter the reading frame and introduce a premature termination codon. This variant is rare in population databases. The currently available literature and clinical evidence are not sufficient to establish a definitive association between this variant and the reported condition. Therefore, this variant is classified as a variant of uncertain significance.